The following is an entry in ClinVar:

NM_001953.5(TYMP):c.194_195insACAGTGTATAAGAGACAGT (p.Ser65fs)

Gene: TYMP (thymidine phosphorylase; minus strand). Cytogenetic location: 22q13.33.
Variant type: Insertion.
Coding change: c.194_195insACAGTGTATAAGAGACAGT on transcript NM_001953.5 (MANE Select); coding-DNA positions 194 to 195, ACAGTGTATAAGAGACAGT inserted.
Protein change: p.Ser65fs; shifts the reading frame from serine 65.
Molecular consequence: frameshift variant.
Genome position: GRCh38 VCF-style: chr22-50529515-G-GACTGTCTCTTATACACTGT. GRCh37 (hg19) VCF-style: chr22-50967944-G-GACTGTCTCTTATACACTGT.
Other names: c.194_195insACAGTGTATAAGAGACAGT, p.Ser65fs (NM_001113755.3, NM_001113756.3, NM_001257988.1 and 1 more transcripts); short protein forms S65fs.
Identifiers: ClinVar variation 5016363 (VCV005016363.1).

ClinVar aggregate classification (germline): Pathogenic (1 of 4 stars; one submission).

Conditions:
Mitochondrial DNA depletion syndrome 1. Also called: POLIP SYNDROME; POLYNEUROPATHY, OPHTHALMOPLEGIA, LEUKOENCEPHALOPATHY, AND INTESTINAL PSEUDOOBSTRUCTION; Mitochondrial Neurogastrointestinal Encephalopathy Disease; MITOCHONDRIAL NEUROGASTROINTESTINAL ENCEPHALOPATHY SYNDROME, TYMP-RELATED; MNGIE, TYMP-RELATED; Mitochondrial neurogastrointestinal encephalomyopathy syndrome. Identifiers: Orphanet 298, MedGen C4551995, MONDO:0011283, OMIM 603041.

Submission:

Myriad Genetics, Inc.
Classification: Pathogenic for Mitochondrial DNA depletion syndrome 1. Last evaluated: 2026-03-19. Review status: criteria provided, single submitter. Criteria: Myriad Autosomal Dominant, Autosomal Recessive and X-Linked Classification Criteria (2023). Collection method: clinical testing. Allele origin: unknown.
Comment: NM_001953.4(TYMP):c.194_195ins19(S65Rfs*65) is expected to be pathogenic in the context of mitochondrial neurogastrointestinal encephalopathy disease. This variant is predicted to lead to an abnormal or absent protein product due to the creation of a premature termination codon in TYMP, a gene where loss-of-function variants are known to be pathogenic. Please note: this variant was assessed in the context of healthy population screening.